The following is an entry in ClinVar:

ClinVar aggregate classification (germline): Conflicting classifications of pathogenicity. Review status: criteria provided, conflicting classifications (1 of 4 stars). 4 submissions from 4 submitters: Uncertain significance (2); Likely benign (2). Last evaluated 2024-11-07.

Conditions:
Hereditary cancer-predisposing syndrome. Also called: Tumor predisposition; Neoplastic Syndromes, Hereditary; Hereditary neoplastic syndrome; Hereditary Cancer Syndrome. Identifiers: Orphanet 140162, MedGen C0027672, MeSH D009386, MONDO:0015356.
Hereditary breast ovarian cancer syndrome. Also called: Hereditary breast and ovarian cancer; Hereditary breast and ovarian cancer syndrome (HBOC); Breast and ovarian cancer; Hereditary breast and ovarian cancer syndrome; BRCA1- and BRCA2-Associated Hereditary Breast and Ovarian Cancer; Hereditary breast and/or ovarian cancer syndrome. Identifiers: Orphanet 145, MedGen C0677776, MeSH D061325, MONDO:0003582. Disease mechanism: loss of function.

Submissions (4):

Labcorp Genetics (formerly Invitae), Labcorp
Classification: Uncertain significance for Hereditary breast ovarian cancer syndrome. Last evaluated: 2024-11-07. Review status: criteria provided, single submitter. Criteria: Invitae Variant Classification Sherloc (09022015). Collection method: clinical testing. Allele origin: germline.
Comment: This sequence change replaces serine, which is neutral and polar, with glycine, which is neutral and non-polar, at codon 1741 of the BRCA2 protein (p.Ser1741Gly). This variant is not present in population databases (gnomAD no frequency). This variant has not been reported in the literature in individuals affected with BRCA2-related conditions. ClinVar contains an entry for this variant (Variation ID: 630912). Invitae Evidence Modeling of protein sequence and biophysical properties (such as structural, functional, and spatial information, amino acid conservation, physicochemical variation, residue mobility, and thermodynamic stability) indicates that this missense variant is not expected to disrupt BRCA2 protein function with a negative predictive value of 95%. In summary, the available evidence is currently insufficient to determine the role of this variant in disease. Therefore, it has been classified as a Variant of Uncertain Significance.

Ambry Genetics
Classification: Likely benign for Hereditary cancer-predisposing syndrome. Last evaluated: 2024-01-09. Review status: criteria provided, single submitter. Criteria: Ambry Variant Classification Scheme 2023. Collection method: clinical testing. Allele origin: germline.

University of Washington Department of Laboratory Medicine, University of Washington
Classification: Likely benign for Hereditary cancer-predisposing syndrome. Last evaluated: 2023-03-23. Review status: criteria provided, single submitter. Criteria: Dines et al. (Genet Med. 2020). Collection method: curation. Allele origin: germline.
Comment: Missense variant in a coldspot region where missense variants are very unlikely to be pathogenic (PMID:31911673).

BRCA2 exon 11 coldspot. Reclassification based on statistical prior probability.

Color Diagnostics, LLC DBA Color Health
Classification: Uncertain significance for Hereditary cancer-predisposing syndrome. Last evaluated: 2019-06-05. Review status: criteria provided, single submitter. Criteria: ACMG Guidelines, 2015. Collection method: clinical testing. Allele origin: germline.

NM_000059.4(BRCA2):c.5221A>G (p.Ser1741Gly)

Gene: BRCA2 (BRCA2 DNA repair associated; plus strand). Cytogenetic location: 13q13.1.
Variant type: single nucleotide variant.
Coding change: c.5221A>G on transcript NM_000059.4 (MANE Select); coding-DNA position 5221, A replaced by G.
Protein change: p.Ser1741Gly; replaces serine 1741 with glycine.
Molecular consequence: missense variant.
Genome position (GRCh38, 1-based): chr13:32,339,576, A>G. VCF-style: chr13-32339576-A-G. GRCh37 (hg19) VCF-style: chr13-32913713-A-G.
Other names: short protein forms S1741G.
Identifiers: ClinVar variation 630912 (VCV000630912.8), dbSNP rs1566232001, ClinGen allele CA387784637.